The following is an entry in ClinVar:

ClinVar aggregate classification (germline): Benign/Likely benign. Review status: criteria provided, multiple submitters, no conflicts (2 of 4 stars). 2 submissions from 2 submitters: Benign (1); Likely benign (1). Last evaluated 2025-01-31.

Conditions:
Hereditary cancer-predisposing syndrome. Also called: Neoplastic Syndromes, Hereditary; Tumor predisposition; Hereditary Cancer Syndrome; Hereditary neoplastic syndrome. Identifiers: Orphanet 140162, MedGen C0027672, MeSH D009386, MONDO:0015356.
Lynch syndrome 4 (LYNCH4). Also called: Colorectal cancer, hereditary nonpolyposis, type 4; Hereditary non-polyposis colorectal cancer, type 4. Identifiers: Orphanet 144, MedGen C1838333, MONDO:0013699, OMIM 614337. Disease mechanism: loss of function.

Submissions (2):

Myriad Genetics, Inc.
Classification: Benign for Lynch syndrome 4. Last evaluated: 2025-01-31. Review status: criteria provided, single submitter. Criteria: Myriad Autosomal Dominant, Autosomal Recessive and X-Linked Classification Criteria (2023). Collection method: clinical testing. Allele origin: unknown.
Comment: This variant is considered benign. This variant is a silent/synonymous amino acid change and it is not expected to impact splicing.

Ambry Genetics
Classification: Likely benign for Hereditary cancer-predisposing syndrome. Last evaluated: 2018-10-30. Review status: criteria provided, single submitter. Criteria: Ambry Variant Classification Scheme 2023. Collection method: clinical testing. Allele origin: germline.

NM_000535.7(PMS2):c.1848G>T (p.Val616=)

Gene: PMS2 (PMS1 homolog 2, mismatch repair system component; minus strand). Cytogenetic location: 7p22.1.
Variant type: single nucleotide variant.
Coding change: c.1848G>T on transcript NM_000535.7 (MANE Select); coding-DNA position 1848, G replaced by T.
Protein change: p.Val616=; no amino-acid change (valine 616 retained).
Molecular consequence: synonymous variant. On other transcripts: non-coding transcript variant (1).
Genome position (GRCh38, 1-based): chr7:5,986,917, C>A on the plus strand (G>T on the coding strand, the complement: PMS2 is on the minus strand). VCF-style: chr7-5986917-C-A. GRCh37 (hg19) VCF-style: chr7-6026548-C-A.
Other names: c.1443G>T, p.Val481= (NM_001322003.2, NM_001322004.2, NM_001322005.2 and 1 more transcripts); c.1692G>T, p.Val564= (NM_001322006.2); c.1530G>T, p.Val510= (NM_001322007.2, NM_001322008.2); c.1287G>T, p.Val429= (NM_001322010.2); c.915G>T, p.Val305= (NM_001322011.2, NM_001322012.2); c.1275G>T, p.Val425= (NM_001322013.2); c.1848G>T, p.Val616= (NM_001322014.2); c.1539G>T, p.Val513= (NM_001322015.2).
Identifiers: ClinVar variation 820194 (VCV000820194.5), dbSNP rs1041715800, ClinGen allele CA453745762.